The following is an entry in ClinVar:

NM_000179.3(MSH6):c.850dup (p.Asp284fs)

Gene: MSH6 (mutS homolog 6; plus strand). Cytogenetic location: 2p16.3.
Variant type: Duplication.
Coding change: c.850dup on transcript NM_000179.3 (MANE Select); coding-DNA position 850, one base duplicated (G; older notation c.850dupG).
Protein change: p.Asp284fs; shifts the reading frame from aspartic acid 284.
Molecular consequence: frameshift variant. On other transcripts: 5 prime UTR variant (2).
Genome position (GRCh38, 1-based): chr2:47,798,833, G duplicated; the last of 5 consecutive G bases (chr2:47,798,829-47,798,833); duplicating any one gives the same sequence. VCF-style (leftmost placement, unchanged base first): chr2-47798828-T-TG. GRCh37 (hg19) VCF-style: chr2-48025967-T-TG.
Other names: c.850dupG (NM_000179.2); c.460dup, p.Asp154fs (NM_001281492.2); c.-57dup (NM_001281493.2, NM_001281494.2); short protein forms D284fs, D154fs.
Identifiers: ClinVar variation 486900 (VCV000486900.10), dbSNP rs267608062, ClinGen allele CA658655714.
Genomic context (GRCh38, chr2:47,798,828, plus strand): 5'-ATGTGGAATTTAAGCCAGACACTAAGGAGGAAGGAAGCAGTGATGAAATAAGCAGTGGAG[T>TG]GGGGGATAGTGAGAGTGAAGGCCTGAACAGCCCTGTCAAAGTTGCTCGAAAGCGGAAGAG-3'

ClinVar aggregate classification (germline): Pathogenic. Review status: criteria provided, multiple submitters, no conflicts (2 of 4 stars). 3 submissions from 3 submitters: Pathogenic (3). Last evaluated 2024-04-22.

Conditions:
Hereditary nonpolyposis colorectal neoplasms. Identifiers: MedGen C0009405, MeSH D003123.
Hereditary cancer-predisposing syndrome. Also called: Tumor predisposition; Hereditary Cancer Syndrome; Hereditary neoplastic syndrome; Neoplastic Syndromes, Hereditary. Identifiers: Orphanet 140162, MedGen C0027672, MeSH D009386, MONDO:0015356.
Lynch syndrome 5 (LYNCH5). Also called: Hereditary non-polyposis colorectal cancer, type 5; Colorectal cancer, hereditary nonpolyposis, type 5. Identifiers: Orphanet 144, MedGen C1833477, MONDO:0013710, OMIM 614350. Disease mechanism: loss of function.

Submissions (3):

Labcorp Genetics (formerly Invitae), Labcorp
Classification: Pathogenic for Hereditary nonpolyposis colorectal neoplasms. Last evaluated: 2024-04-22. Review status: criteria provided, single submitter. Criteria: Invitae Variant Classification Sherloc (09022015). Collection method: clinical testing. Allele origin: germline.
Comment: This sequence change creates a premature translational stop signal (p.Asp284Glyfs*2) in the MSH6 gene. It is expected to result in an absent or disrupted protein product. Loss-of-function variants in MSH6 are known to be pathogenic (PMID: 18269114, 24362816). This variant is not present in population databases (gnomAD no frequency). This premature translational stop signal has been observed in individual(s) with clinical features of MSH6-related conditions (PMID: 18301448). ClinVar contains an entry for this variant (Variation ID: 486900). For these reasons, this variant has been classified as Pathogenic.

Ambry Genetics
Classification: Pathogenic for Hereditary cancer-predisposing syndrome. Last evaluated: 2021-04-21. Review status: criteria provided, single submitter. Criteria: Ambry Variant Classification Scheme 2023. Collection method: clinical testing. Allele origin: germline.
Comment: The c.850dupG pathogenic mutation, located in coding exon 4 of the MSH6 gene, results from a duplication of G at nucleotide position 850, causing a translational frameshift with a predicted alternate stop codon (p.D284Gfs*2). This alteration is expected to result in loss of function by premature protein truncation or nonsense-mediated mRNA decay. As such, this alteration is interpreted as a disease-causing mutation.

Genetics and Molecular Pathology, SA Pathology
Classification: Pathogenic for Lynch syndrome 5. Last evaluated: 2020-04-20. Review status: criteria provided, single submitter. Criteria: ACMG Guidelines, 2015. Collection method: clinical testing. Allele origin: germline. Inheritance: Somatic mutation. Affected: yes.

Literature cited by the submitters: PubMed 18269114 (cited by Labcorp Genetics (formerly Invitae), Labcorp); PubMed 24362816 (cited by Labcorp Genetics (formerly Invitae), Labcorp); PubMed 18301448 (cited by Labcorp Genetics (formerly Invitae), Labcorp).